The following is an entry in ClinVar:

NM_001042646.3(TRAK1):c.1244A>G (p.Gln415Arg)

Gene: TRAK1 (trafficking kinesin protein 1; plus strand). Cytogenetic location: 3p22.1.
Variant type: single nucleotide variant.
Coding change: c.1244A>G on transcript NM_001042646.3 (MANE Select); coding-DNA position 1244, A replaced by G.
Protein change: p.Gln415Arg; replaces glutamine 415 with arginine.
Molecular consequence: missense variant. On other transcripts: non-coding transcript variant (1).
Genome position (GRCh38, 1-based): chr3:42,200,871, A>G. VCF-style: chr3-42200871-A-G. GRCh37 (hg19) VCF-style: chr3-42242363-A-G.
Other names: c.1244A>G, p.Gln415Arg (NM_001265608.2, NM_001349246.2, NM_001349247.2); c.1022A>G, p.Gln341Arg (NM_001265609.2, NM_001265610.1, NM_001349248.1 and 1 more transcripts); c.932A>G, p.Gln311Arg (NM_001349245.1); c.1070A>G, p.Gln357Arg (NM_001410741.1, NM_014965.5); short protein forms Q311R, Q415R, Q357R, Q341R.
Identifiers: ClinVar variation 3730412 (VCV003730412.2).

ClinVar aggregate classification (germline): Uncertain significance (1 of 4 stars; one submission).

gnomAD v4.1: 72 of 1,614,202 alleles (0.0045%); highest among the groups gnomAD compares: African/African-American, 0.092%; no homozygotes.

Submission:

Labcorp Genetics (formerly Invitae), Labcorp
Classification: Uncertain significance. Last evaluated: 2024-04-29. Review status: criteria provided, single submitter. Criteria: Invitae Variant Classification Sherloc (09022015). Collection method: clinical testing. Allele origin: germline.
Comment: This sequence change replaces glutamine, which is neutral and polar, with arginine, which is basic and polar, at codon 415 of the TRAK1 protein (p.Gln415Arg). This variant is present in population databases (rs137919210, gnomAD 0.1%). This variant has not been reported in the literature in individuals affected with TRAK1-related conditions. An algorithm developed to predict the effect of missense changes on protein structure and function (PolyPhen-2) suggests that this variant is likely to be tolerated. In summary, the available evidence is currently insufficient to determine the role of this variant in disease. Therefore, it has been classified as a Variant of Uncertain Significance.